The following is an entry in ClinVar:

ClinVar aggregate classification (germline): Uncertain significance (1 of 4 stars; one submission).

Conditions:
Early Myoclonic Encephalopathy. Identifiers: MedGen C0270855.

Submission:

Labcorp Genetics (formerly Invitae), Labcorp
Classification: Uncertain significance for Early myoclonic encephalopathy. Last evaluated: 2018-07-24. Review status: criteria provided, single submitter. Criteria: Invitae Variant Classification Sherloc (09022015). Collection method: clinical testing. Allele origin: germline.
Comment: This variant is an in-frame deletion of the genomic region encompassing exon 2 of the JMJD1C gene. It preserves the integrity of the reading frame. This variant has not been reported in the literature in individuals with JMJD1C-related disease. Experimental studies and prediction algorithms are not available for this variant, and the functional significance of the deleted amino acids is currently unknown. In summary, the available evidence is currently insufficient to determine the role of this variant in disease. Therefore, it has been classified as a Variant of Uncertain Significance.

NC_000010.11:g.(?_63380298)_(63380502_?)del

Gene: JMJD1C (jumonji domain containing 1C; minus strand). Cytogenetic location: 10q21.3.
Variant type: Deletion.
Identifiers: ClinVar variation 649053 (VCV000649053.1).